The following is an entry in ClinVar:

ClinVar aggregate classification (germline): Likely benign. Review status: criteria provided, multiple submitters, no conflicts (2 of 4 stars). 3 submissions from 3 submitters: Likely benign (3). Last evaluated 2025-08-05.

Conditions:
Cutis laxa, X-linked (OHS). Also called: Occipital horn syndrome; EDS IX. Identifiers: Orphanet 198, MedGen C0268353, MONDO:0010572, OMIM 304150.
Menkes kinky-hair syndrome (MNK). Also called: Menkes Disease; Classic Menkes Disease; Copper transport disease. Identifiers: Orphanet 565, MedGen C0022716, MONDO:0010651, OMIM 309400.
X-linked distal spinal muscular atrophy type 3. Also called: ATP7A-Related Distal Motor Neuropathy; SPINAL MUSCULAR ATROPHY, DISTAL, X-LINKED RECESSIVE; NEURONOPATHY, DISTAL HEREDITARY MOTOR, X-LINKED; NEUROPATHY, DISTAL HEREDITARY MOTOR, X-LINKED. Identifiers: Orphanet 139557, MedGen C1845359, MONDO:0010338, OMIM 300489.

Allele frequency attached by ClinVar (database versions not stated): TOPMed below 0.00001; gnomAD exomes 0.00001 and 0.00002; ExAC 0.00002; ESP Exome Variant Server 0.00009.
gnomAD v4.1: 15 of 1,211,621 alleles (0.0012%); highest among the groups gnomAD compares: Non-Finnish European, 0.0016%; no homozygotes.

Submissions (3):

Mayo Clinic Laboratories, Mayo Clinic
Classification: Likely benign. Last evaluated: 2025-08-05. Review status: criteria provided, single submitter. Criteria: ACMG Guidelines, 2015. Collection method: clinical testing. Allele origin: germline. Observed: 1 variant allele.
Comment: BP4, BP7

Labcorp Genetics (formerly Invitae), Labcorp
Classification: Likely benign for X-linked distal spinal muscular atrophy type 3; Cutis laxa, X-linked; Menkes kinky-hair syndrome. Last evaluated: 2023-10-15. Review status: criteria provided, single submitter. Criteria: Invitae Variant Classification Sherloc (09022015). Collection method: clinical testing. Allele origin: germline.

Blueprint Genetics
Classification: Likely benign. Last evaluated: 2022-09-15. Review status: criteria provided, single submitter. Criteria: ACMG Guidelines, 2015. Collection method: clinical testing. Allele origin: germline.

NM_000052.7(ATP7A):c.909A>G (p.Gln303=)

Gene: ATP7A (ATPase copper transporting alpha; plus strand). Cytogenetic location: Xq21.1.
Variant type: single nucleotide variant.
Coding change: c.909A>G on transcript NM_000052.7 (MANE Select); coding-DNA position 909, A replaced by G.
Protein change: p.Gln303=; no amino-acid change (glutamine 303 retained).
Molecular consequence: synonymous variant.
Genome position (GRCh38, 1-based): chrX:77,989,531, A>G. VCF-style: chrX-77989531-A-G. GRCh37 (hg19) VCF-style: chrX-77245027-A-G.
Other names: p.Gln303=; c.909A>G, p.Gln303= (NM_001282224.2).
Identifiers: ClinVar variation 860608 (VCV000860608.11), dbSNP rs372389715, ClinGen allele CA10458972.